The following is an entry in ClinVar:

ClinVar aggregate classification (germline): Uncertain significance. Review status: criteria provided, multiple submitters, no conflicts (2 of 4 stars). 2 submissions from 2 submitters: Uncertain significance (2). Last evaluated 2023-03-17.

Conditions:
Hereditary cancer-predisposing syndrome. Also called: Tumor predisposition; Neoplastic Syndromes, Hereditary; Hereditary Cancer Syndrome; Hereditary neoplastic syndrome. Identifiers: Orphanet 140162, MedGen C0027672, MeSH D009386, MONDO:0015356.
Ataxia-telangiectasia syndrome (AT). Also called: ATAXIA-TELANGIECTASIA, COMPLEMENTATION GROUP A; ATAXIA-TELANGIECTASIA, FRESNO VARIANT; Ataxia-telangiectasia; Ataxia-telangiectasia, complementation group D; AT, COMPLEMENTATION GROUP C; Ataxia-telangiectasia, complementation group E. Identifiers: Orphanet 100, MedGen C0004135, MONDO:0008840, OMIM 208900.

Submissions (2):

Labcorp Genetics (formerly Invitae), Labcorp
Classification: Uncertain significance for Ataxia-telangiectasia syndrome. Last evaluated: 2023-03-17. Review status: criteria provided, single submitter. Criteria: Invitae Variant Classification Sherloc (09022015). Collection method: clinical testing. Allele origin: germline.
Comment: In summary, the available evidence is currently insufficient to determine the role of this variant in disease. Therefore, it has been classified as a Variant of Uncertain Significance. An algorithm developed to predict the effect of missense changes on protein structure and function (PolyPhen-2) suggests that this variant is likely to be tolerated. ClinVar contains an entry for this variant (Variation ID: 826462). This variant has not been reported in the literature in individuals affected with ATM-related conditions. This variant is not present in population databases (gnomAD no frequency). This sequence change replaces arginine, which is basic and polar, with lysine, which is basic and polar, at codon 2175 of the ATM protein (p.Arg2175Lys).

Ambry Genetics
Classification: Uncertain significance for Hereditary cancer-predisposing syndrome. Last evaluated: 2019-05-10. Review status: criteria provided, single submitter. Criteria: Ambry Variant Classification Scheme 2023. Collection method: clinical testing. Allele origin: germline.
Comment: The p.R2175K variant (also known as c.6524G>A), located in coding exon 44 of the ATM gene, results from a G to A substitution at nucleotide position 6524. The arginine at codon 2175 is replaced by lysine, an amino acid with highly similar properties. This amino acid position is well conserved in available vertebrate species. In addition, the in silico prediction for this alteration is inconclusive. Since supporting evidence is limited at this time, the clinical significance of this alteration remains unclear.

NM_000051.4(ATM):c.6524G>A (p.Arg2175Lys)

Genes: ATM (ATM serine/threonine kinase; plus strand), C11orf65 (chromosome 11 open reading frame 65; minus strand). Cytogenetic location: 11q22.3.
Variant type: single nucleotide variant.
Coding change: c.6524G>A on transcript NM_000051.4 (MANE Select); coding-DNA position 6524, G replaced by A.
Protein change: p.Arg2175Lys; replaces arginine 2175 with lysine.
Molecular consequence: missense variant. On other transcripts: intron variant (2).
Genome position (GRCh38, 1-based): chr11:108,321,372, G>A. VCF-style: chr11-108321372-G-A. GRCh37 (hg19) VCF-style: chr11-108192099-G-A.
Other names: c.6524G>A, p.Arg2175Lys (NM_001351834.2); c.641-12301C>T (NM_001330368.2); c.*39-12301C>T (NM_001351110.2); short protein forms R2175K.
Identifiers: ClinVar variation 826462 (VCV000826462.12), dbSNP rs1555117188, ClinGen allele CA382554189.
Genomic context (GRCh38, chr11:108,321,372, plus strand): 5'-TGGAAGAGATGTGTAAGCGCAGCCTTGAGTCTGTGTATTCGCTCTATCCCACACTTAGCA[G>A]GTTGCAGGCCATTGGAGAGCTGGAAAGCATTGGGGAGCTTTTCTCAAGGTATGTAATTCG-3'
Protein context (NP_000042.3, residues 2165-2185): SVYSLYPTLS[Arg2175Lys]LQAIGELESI